The following is an entry in ClinVar:

ClinVar aggregate classification (germline): Conflicting classifications of pathogenicity. Review status: criteria provided, conflicting classifications (1 of 4 stars). 4 submissions from 4 submitters: Uncertain significance (1); Benign (1); Likely benign (2). Last evaluated 2025-11-09.

Conditions:
Hereditary cancer-predisposing syndrome. Also called: Neoplastic Syndromes, Hereditary; Hereditary Cancer Syndrome; Hereditary neoplastic syndrome; Tumor predisposition. Identifiers: Orphanet 140162, MedGen C0027672, MeSH D009386, MONDO:0015356.
Pheochromocytoma/paraganglioma syndrome 3. Also called: SDHC-Related Hereditary Paraganglioma-Pheochromocytoma Syndrome (Paragangliomas 3); SDHC-Related Hereditary Paraganglioma-Pheochromocytoma Syndrome; Paragangliomas 3; GLOMUS TUMORS, FAMILIAL, 3. Identifiers: Orphanet 29072, MedGen C1854336, MONDO:0011544, OMIM 605373.
Gastrointestinal stromal tumor. Also called: Gastrointestinal stromal tumor, somatic; Gastrointestinal stroma tumor. Identifiers: Orphanet 44890, MedGen C0238198, MeSH D046152, MONDO:0011719, OMIM 606764, HP:0100723.

Allele frequency attached by ClinVar (database versions not stated): gnomAD exomes below 0.00001.
gnomAD v4.1: 6 of 1,613,282 alleles (0.00037%); highest among the groups gnomAD compares: Non-Finnish European, 0.00051%; no homozygotes.

Submissions (4):

Labcorp Genetics (formerly Invitae), Labcorp
Classification: Likely benign for Pheochromocytoma/paraganglioma syndrome 3; Gastrointestinal stromal tumor. Last evaluated: 2025-11-09. Review status: criteria provided, single submitter. Criteria: Invitae Variant Classification Sherloc (09022015). Collection method: clinical testing. Allele origin: germline.

Myriad Genetics, Inc.
Classification: Benign for Pheochromocytoma/paraganglioma syndrome 3. Last evaluated: 2025-03-17. Review status: criteria provided, single submitter. Criteria: Myriad Autosomal Dominant, Autosomal Recessive and X-Linked Classification Criteria (2023). Collection method: clinical testing. Allele origin: unknown.
Comment: This variant is considered benign. This variant is a silent/synonymous amino acid change and it is not expected to impact splicing.

GeneDx
Classification: Uncertain significance. Last evaluated: 2024-07-02. Review status: criteria provided, single submitter. Criteria: GeneDx Variant Classification Process June 2021. Collection method: clinical testing. Allele origin: germline. Affected: yes.
Comment: Not observed at significant frequency in large population cohorts (gnomAD); In silico analysis indicates that this variant does not alter splicing; Has not been previously published as pathogenic or benign to our knowledge

Ambry Genetics
Classification: Likely benign for Hereditary cancer-predisposing syndrome. Last evaluated: 2023-04-07. Review status: criteria provided, single submitter. Criteria: Ambry Variant Classification Scheme 2023. Collection method: clinical testing. Allele origin: germline.

NM_003001.5(SDHC):c.504C>T (p.Ala168=)

Gene: SDHC (succinate dehydrogenase complex subunit C; plus strand). Cytogenetic location: 1q23.3.
Variant type: single nucleotide variant.
Coding change: c.504C>T on transcript NM_003001.5 (MANE Select); coding-DNA position 504, C replaced by T.
Protein change: p.Ala168=; no amino-acid change (alanine 168 retained).
Molecular consequence: synonymous variant. On other transcripts: missense variant (3), non-coding transcript variant (1).
Genome position (GRCh38, 1-based): chr1:161,362,427, C>T. VCF-style: chr1-161362427-C-T. GRCh37 (hg19) VCF-style: chr1-161332217-C-T.
Other names: c.340C>T, p.His114Tyr (NM_001035511.3); c.402C>T, p.Ala134= (NM_001035512.3); c.345C>T, p.Ala115= (NM_001035513.3); c.238C>T, p.His80Tyr (NM_001278172.3); c.624C>T, p.Ala208= (NM_001407115.1); c.447C>T, p.Ala149= (NM_001407116.1); c.441C>T, p.Ala147= (NM_001407117.1); c.396C>T, p.Ala132= (NM_001407118.1); and 2 more; short protein forms H80Y, H114Y, H95Y.
Identifiers: ClinVar variation 795766 (VCV000795766.12), dbSNP rs1571899229, ClinGen allele CA343457997.